The following is an entry in ClinVar:

ClinVar aggregate classification (germline): Conflicting classifications of pathogenicity. Review status: criteria provided, conflicting classifications (1 of 4 stars). 5 submissions from 5 submitters: Uncertain significance (4); Likely benign (1). Last evaluated 2025-06-10.

Conditions:
Hereditary cancer-predisposing syndrome. Also called: Tumor predisposition; Neoplastic Syndromes, Hereditary; Hereditary Cancer Syndrome; Hereditary neoplastic syndrome. Identifiers: Orphanet 140162, MedGen C0027672, MeSH D009386, MONDO:0015356.
Hereditary breast ovarian cancer syndrome. Also called: Hereditary breast and ovarian cancer syndrome; Hereditary breast and ovarian cancer; Hereditary breast and ovarian cancer syndrome (HBOC); Hereditary breast and/or ovarian cancer syndrome; Breast and ovarian cancer; BRCA1- and BRCA2-Associated Hereditary Breast and Ovarian Cancer. Identifiers: Orphanet 145, MedGen C0677776, MeSH D061325, MONDO:0003582. Disease mechanism: loss of function.

Submissions (5):

Labcorp Genetics (formerly Invitae), Labcorp
Classification: Uncertain significance for Hereditary breast ovarian cancer syndrome. Last evaluated: 2025-06-10. Review status: criteria provided, single submitter. Criteria: Invitae Variant Classification Sherloc (09022015). Collection method: clinical testing. Allele origin: germline.
Comment: This sequence change replaces valine, which is neutral and non-polar, with alanine, which is neutral and non-polar, at codon 452 of the BRCA1 protein (p.Val452Ala). This variant is not present in population databases (gnomAD no frequency). This variant has not been reported in the literature in individuals affected with BRCA1-related conditions. ClinVar contains an entry for this variant (Variation ID: 240773). Invitae Evidence Modeling of protein sequence and biophysical properties (such as structural, functional, and spatial information, amino acid conservation, physicochemical variation, residue mobility, and thermodynamic stability) indicates that this missense variant is not expected to disrupt BRCA1 protein function with a negative predictive value of 80%. In summary, the available evidence is currently insufficient to determine the role of this variant in disease. Therefore, it has been classified as a Variant of Uncertain Significance.

Quest Diagnostics Nichols Institute San Juan Capistrano
Classification: Uncertain significance. Last evaluated: 2024-09-29. Review status: criteria provided, single submitter. Criteria: Quest Diagnostics criteria. Collection method: clinical testing. Allele origin: unknown.
Comment: The BRCA1 c.1355T>C (p.Val452Ala) variant has been reported in the published literature to be located in a region of the BRCA1 gene that is tolerant to missense sequence changes (PMID: 31911673 (2020)). To the best of our knowledge, this variant has not been reported in individuals with BRCA1-related disorders. This variant has not been reported in large, multi-ethnic general populations (Genome Aggregation Database). Analysis of this variant using bioinformatics tools for the prediction of the effect of amino acid changes on protein structure and function yielded predictions that this variant is benign. Based on the available information, we are unable to determine the clinical significance of this variant.

University of Washington Department of Laboratory Medicine, University of Washington
Classification: Likely benign for Hereditary cancer-predisposing syndrome. Last evaluated: 2023-03-23. Review status: criteria provided, single submitter. Criteria: Dines et al. (Genet Med. 2020). Collection method: curation. Allele origin: germline.
Comment: Missense variant in a coldspot region where missense variants are very unlikely to be pathogenic (PMID:31911673).

BRCA1 coldspot (exon 11 using historical exon numbering). Reclassification based on statistical prior probability

Ambry Genetics
Classification: Uncertain significance for Hereditary cancer-predisposing syndrome. Last evaluated: 2023-01-11. Review status: criteria provided, single submitter. Criteria: Ambry Variant Classification Scheme 2023. Collection method: clinical testing. Allele origin: germline.
Comment: The p.V452A variant (also known as c.1355T>C), located in coding exon 9 of the BRCA1 gene, results from a T to C substitution at nucleotide position 1355. The valine at codon 452 is replaced by alanine, an amino acid with similar properties. This amino acid position is not well conserved in available vertebrate species. In addition, the in silico prediction for this alteration is inconclusive. Since supporting evidence is limited at this time, the clinical significance of this alteration remains unclear.

Color Diagnostics, LLC DBA Color Health
Classification: Uncertain significance for Hereditary cancer-predisposing syndrome. Last evaluated: 2020-02-28. Review status: criteria provided, single submitter. Criteria: ACMG Guidelines, 2015. Collection method: clinical testing. Allele origin: germline.
Comment: This missense variant replaces valine with alanine at codon 452 of the BRCA1 protein. Computational prediction is inconclusive regarding the impact of this variant on protein structure and function (internally defined REVEL score threshold 0.5 < inconclusive < 0.7, PMID: 27666373). Splice site prediction tools suggest that this variant may not impact RNA splicing. To our knowledge, functional studies have not been reported for this variant. This variant has not been reported in individuals affected with hereditary cancer in the literature. This variant has not been identified in the general population by the Genome Aggregation Database (gnomAD). The available evidence is insufficient to determine the role of this variant in disease conclusively. Therefore, this variant is classified as a Variant of Uncertain Significance.

Literature cited by the submitters: PubMed 31911673 (cited by Quest Diagnostics Nichols Institute San Juan Capistrano).

NM_007294.4(BRCA1):c.1355T>C (p.Val452Ala)

Gene: BRCA1 (BRCA1 DNA repair associated; minus strand). Cytogenetic location: 17q21.31.
Variant type: single nucleotide variant.
Coding change: c.1355T>C on transcript NM_007294.4 (MANE Select); coding-DNA position 1355, T replaced by C.
Protein change: p.Val452Ala; replaces valine 452 with alanine.
Molecular consequence: missense variant. On other transcripts: intron variant (137).
Genome position (GRCh38, 1-based): chr17:43,094,176, A>G on the plus strand (T>C on the coding strand, the complement: BRCA1 is on the minus strand). VCF-style: chr17-43094176-A-G. GRCh37 (hg19) VCF-style: chr17-41246193-A-G.
Other names: c.1355T>C, p.Val452Ala (NM_001407585.1, NM_001407593.1, NM_001407594.1 and 30 more transcripts); c.787+568T>C (NM_001407974.1, NM_001407969.1, NM_001407968.1 and 19 more transcripts); c.1211T>C, p.Val404Ala (NM_001407845.1, NM_001407846.1, NM_001407848.1 and 20 more transcripts); c.1214T>C, p.Val405Ala (NM_001407851.1, NM_001407852.1, NM_001407850.1 and 29 more transcripts); c.577+568T>C (NM_001408492.1, NM_001408481.1, NM_001408480.1 and 9 more transcripts); c.643+568T>C (NM_001408468.1, NM_001408470.1, NM_001408464.1 and 3 more transcripts); c.1352T>C, p.Val451Ala (NM_001407587.1, NM_001407590.1, NM_001407591.1 and 22 more transcripts); c.523+568T>C (NM_001408501.1, NM_001408498.1, NM_001408500.1 and 3 more transcripts); and 40 more; short protein forms V452A, V405A, V156A, V341A, V381A, V410A, V325A, V382A.
Identifiers: ClinVar variation 240773 (VCV000240773.18), dbSNP rs878854932, ClinGen allele CA10583580.